The following is an entry in ClinVar:

ClinVar aggregate classification (germline): Pathogenic. Review status: criteria provided, multiple submitters, no conflicts (2 of 4 stars). 4 submissions from 4 submitters: Pathogenic (3). 1 of the submissions does not count toward it. Last evaluated 2023-09-12.

Conditions:
KRT14-related disorder. Also called: KRT14-related condition.
Epidermolysis bullosa simplex. Also called: Epidermolysis bullosa simplex, Weber-Cockayne type (subtype); Epidermolysis bullosa simplex, Dowling-Meara type (subtype); Epidermolysis bullosa simplex with mottled pigmentation (subtype). Identifiers: Orphanet 304, MedGen C0079298, MONDO:0017610.

Submissions (4):

Blueprint Genetics
Classification: Pathogenic for KRT14-related disorders. Last evaluated: 2023-09-12. Review status: criteria provided, single submitter. Criteria: ACMG Guidelines, 2015. Collection method: clinical testing. Allele origin: germline. Affected: yes. Observed: 2 variant alleles.

GeneDx
Classification: Pathogenic. Last evaluated: 2022-12-04. Review status: criteria provided, single submitter. Criteria: GeneDx Variant Classification Process June 2021. Collection method: clinical testing. Allele origin: germline. Affected: yes.
Comment: Located in the highly conserved helix initiation motif of the alpha-helical rod domain, which is intolerant to change; variants in this motif interfere with proper keratin intermediate filament assembly and function, resulting in skin fragility and/or hyperkeratosis (Chamcheu et al., 2011); Published in vitro functional studies demonstrate that the V133L variant negatively affects filament polymerization thus damaging the network structure (Liovic et al., 2001); The same amino acid substitution caused by a different nucleotide change (c.958 G>C), as well as different missense changes at this codon (V133A, V133M) and in nearby residues (L130P, R134C, R134P, L136P, L136Q), have been reported in association with KRT14-related epidermolysis bullosa in the Human Gene Mutation Database (Stenson et al., 2014); Not observed at significant frequency in large population cohorts (gnomAD); This variant is associated with the following publications: (PMID: 17039244, 8601736, 21176769, 11407988, 14987259, 16786515, 20199538)

Biomedical Innovation Departament, CIEMAT
Classification: Pathogenic for Simplex epidermolysis bullosa. Last evaluated: 2015-04-21. Review status: criteria provided, single submitter. Criteria: ACMG Guidelines, 2015. Collection method: research. Allele origin: germline. Affected: yes. Observed: 1 variant allele.

Epithelial Biology;  Institute of Medical Biology, Singapore
No classification provided. Review status: no classification provided. Collection method: not provided. Allele origin: not provided. Not counted in ClinVar's aggregate classification.

Literature cited by the submitters: PubMed 8601736 (cited by Biomedical Innovation Departament, CIEMAT).

NM_000526.5(KRT14):c.397G>T (p.Val133Leu)

Gene: KRT14 (keratin 14; minus strand). Cytogenetic location: 17q21.2.
Variant type: single nucleotide variant.
Coding change: c.397G>T on transcript NM_000526.5 (MANE Select); coding-DNA position 397, G replaced by T.
Protein change: p.Val133Leu; replaces valine 133 with leucine.
Molecular consequence: missense variant.
Genome position (GRCh38, 1-based): chr17:41,586,438, C>A on the plus strand (G>T on the coding strand, the complement: KRT14 is on the minus strand). VCF-style: chr17-41586438-C-A. GRCh37 (hg19) VCF-style: chr17-39742690-C-A.
Other names: short protein forms V133L.
Identifiers: ClinVar variation 66358 (VCV000066358.5), dbSNP rs61027685, ClinGen allele CA216941.